The following is an entry in ClinVar:

ClinVar aggregate classification (germline): Uncertain significance (1 of 4 stars; one submission).

Conditions:
Neurodevelopmental disorder with microcephaly, seizures, and cortical atrophy. Identifiers: MedGen C4540493, MONDO:0060621, OMIM 617802.

Submission:

Kasturba Medical College, Manipal, Kasturba Medical College, Manipal, Manipal Academy of Higher Education, Manipal, India
Classification: Uncertain significance for Neurodevelopmental disorder with microcephaly, seizures, and cortical atrophy. Review status: criteria provided, single submitter. Criteria: ACMG Guidelines, 2015. Collection method: research. Allele origin: maternal. Inheritance: Autosomal recessive inheritance. Affected: yes. Observed: 1 heterozygote.
Comment: This variant absent in homozygous and/or heterozygous state in gnomAD database (v4.1.0) and our in-house data of 3801 exomes. In-silico prediction tools (CADD_phred, REVEL) are consistent in predicting the variant to be damaging to VARS1 protein function.

NM_006295.3(VARS1):c.3313G>A (p.Glu1105Lys)

Gene: VARS1 (valyl-tRNA synthetase 1; minus strand). Cytogenetic location: 6p21.33.
Variant type: single nucleotide variant.
Coding change: c.3313G>A on transcript NM_006295.3 (MANE Select); coding-DNA position 3313, G replaced by A.
Protein change: p.Glu1105Lys; replaces glutamic acid 1105 with lysine.
Molecular consequence: missense variant.
Genome position (GRCh38, 1-based): chr6:31,779,512, C>T on the plus strand (G>A on the coding strand, the complement: VARS1 is on the minus strand). VCF-style: chr6-31779512-C-T. GRCh37 (hg19) VCF-style: chr6-31747289-C-T.
Other names: short protein forms E1105K.
Identifiers: ClinVar variation 4280651 (VCV004280651.1).